The following is an entry in ClinVar:

ClinVar aggregate classification (germline): Uncertain significance (1 of 4 stars; one submission).

Conditions:
Emery-Dreifuss muscular dystrophy 5, autosomal dominant (EDMD5). Also called: EMERY-DREIFUSS MUSCULAR DYSTROPHY 5. Identifiers: Orphanet 261, MedGen C2751805, MONDO:0013072, OMIM 612999.

Allele frequency attached by ClinVar (database versions not stated): TOPMed below 0.00001.

Submission:

Labcorp Genetics (formerly Invitae), Labcorp
Classification: Uncertain significance for Emery-Dreifuss muscular dystrophy 5, autosomal dominant. Last evaluated: 2023-11-06. Review status: criteria provided, single submitter. Criteria: Invitae Variant Classification Sherloc (09022015). Collection method: clinical testing. Allele origin: germline.
Comment: This sequence change replaces valine, which is neutral and non-polar, with alanine, which is neutral and non-polar, at codon 2770 of the SYNE2 protein (p.Val2770Ala). This variant is not present in population databases (gnomAD no frequency). This variant has not been reported in the literature in individuals affected with SYNE2-related conditions. An algorithm developed to predict the effect of missense changes on protein structure and function (PolyPhen-2) suggests that this variant is likely to be tolerated. In summary, the available evidence is currently insufficient to determine the role of this variant in disease. Therefore, it has been classified as a Variant of Uncertain Significance.

NM_182914.3(SYNE2):c.8309T>C (p.Val2770Ala)

Gene: SYNE2 (spectrin repeat containing nuclear envelope protein 2; plus strand). Cytogenetic location: 14q23.2.
Variant type: single nucleotide variant.
Coding change: c.8309T>C on transcript NM_182914.3 (MANE Select); coding-DNA position 8309, T replaced by C.
Protein change: p.Val2770Ala; replaces valine 2770 with alanine.
Molecular consequence: missense variant.
Genome position (GRCh38, 1-based): chr14:64,052,222, T>C. VCF-style: chr14-64052222-T-C. GRCh37 (hg19) VCF-style: chr14-64518940-T-C.
Other names: c.8309T>C, p.Val2770Ala (NM_015180.6); short protein forms V2770A.
Identifiers: ClinVar variation 3013156 (VCV003013156.3), dbSNP rs2097232823, ClinGen allele CA389966008.